The following is an entry in ClinVar:

NM_024529.5(CDC73):c.305C>T (p.Ala102Val)

Gene: CDC73 (cell division cycle 73; plus strand). Cytogenetic location: 1q31.2.
Variant type: single nucleotide variant.
Coding change: c.305C>T on transcript NM_024529.5 (MANE Select); coding-DNA position 305, C replaced by T.
Protein change: p.Ala102Val; replaces alanine 102 with valine.
Molecular consequence: missense variant.
Genome position (GRCh38, 1-based): chr1:193,130,241, C>T. VCF-style: chr1-193130241-C-T. GRCh37 (hg19) VCF-style: chr1-193099371-C-T.
Other names: short protein forms A102V.
Identifiers: ClinVar variation 1507593 (VCV001507593.9), dbSNP rs778134705, ClinGen allele CA1303306.
Genomic context (GRCh38, chr1:193,130,241, plus strand): 5'-ATATTCCTGTGGTTAGAAGACCTGATCGAAAAGATCTACTTGGATATCTCAATGGTGAAG[C>T]GTGTGAGTACTTTTTAAATTGTTCCCAGTCTTAAACAGACATTGTTTCTTTTTTCCCCTA-3'
Protein context (NP_078805.3, residues 92-112): KDLLGYLNGE[Ala102Val]STSASIDRSA

ClinVar aggregate classification (germline): Conflicting classifications of pathogenicity. Review status: criteria provided, conflicting classifications (1 of 4 stars). 2 submissions from 2 submitters: Uncertain significance (1); Likely benign (1). Last evaluated 2025-02-13.

Conditions:
Hereditary cancer-predisposing syndrome. Also called: Hereditary neoplastic syndrome; Neoplastic Syndromes, Hereditary; Tumor predisposition; Hereditary Cancer Syndrome. Identifiers: Orphanet 140162, MedGen C0027672, MeSH D009386, MONDO:0015356.
Parathyroid carcinoma (PRTC). Also called: Parathyroid gland carcinoma; CDC73-Related Parathyroid Carcinoma. Identifiers: Orphanet 143, MedGen C0687150, MONDO:0012004, OMIM 608266, HP:0006780.

Allele frequency attached by ClinVar (database versions not stated): TOPMed 0.00001; ExAC 0.00003; gnomAD 0.00003; gnomAD exomes 0.00004.
gnomAD v4.1: 21 of 1,542,368 alleles (0.0014%); highest among the groups gnomAD compares: South Asian, 0.0045%; no homozygotes.

Submissions (3):

Labcorp Genetics (formerly Invitae), Labcorp
Classification: Uncertain significance for Parathyroid carcinoma. Last evaluated: 2025-02-13. Review status: criteria provided, single submitter. Criteria: Invitae Variant Classification Sherloc (09022015). Collection method: clinical testing. Allele origin: germline.
Comment: This sequence change replaces alanine, which is neutral and non-polar, with valine, which is neutral and non-polar, at codon 102 of the CDC73 protein (p.Ala102Val). The frequency data for this variant in the population databases is considered unreliable, as metrics indicate poor data quality at this position in the gnomAD database. This variant has not been reported in the literature in individuals affected with CDC73-related conditions. ClinVar contains an entry for this variant (Variation ID: 1507593). An algorithm developed to predict the effect of missense changes on protein structure and function (PolyPhen-2) suggests that this variant is likely to be tolerated. In summary, the available evidence is currently insufficient to determine the role of this variant in disease. Therefore, it has been classified as a Variant of Uncertain Significance.

Ambry Genetics
Classification: Likely benign for Hereditary cancer-predisposing syndrome. Last evaluated: 2023-10-10. Review status: criteria provided, single submitter. Criteria: Ambry Variant Classification Scheme 2023. Collection method: clinical testing. Allele origin: germline.

Dr. Peter K. Rogan Lab, Western University
No classification provided (evidence only). Condition: Ovarian serous cystadenocarcinoma. Review status: no classification provided. Collection method: in vitro. Allele origin: not applicable. Functional consequence: retained intron. Not counted in ClinVar's aggregate classification.